The following is an entry in ClinVar:

ClinVar aggregate classification (germline): Uncertain significance (1 of 4 stars; one submission).

Conditions:
Fanconi anemia (FA). Also called: Fanconi's anemia. Identifiers: Orphanet 84, MedGen C0015625, MeSH D005199, MONDO:0019391.

Submission:

Labcorp Genetics (formerly Invitae), Labcorp
Classification: Uncertain significance for Fanconi anemia. Last evaluated: 2019-12-05. Review status: criteria provided, single submitter. Criteria: Invitae Variant Classification Sherloc (09022015). Collection method: clinical testing. Allele origin: germline.
Comment: This variant, c.2564_2569del, results in the deletion of 2 amino acid(s) of the FANCD2 protein (p.Val855_Thr856del), but otherwise preserves the integrity of the reading frame. This variant is not present in population databases (ExAC no frequency). This variant has not been reported in the literature in individuals with FANCD2-related conditions. Experimental studies and prediction algorithms are not available for this variant, and the functional significance of the affected amino acid(s) is currently unknown. In summary, the available evidence is currently insufficient to determine the role of this variant in disease. Therefore, it has been classified as a Variant of Uncertain Significance.

NM_001018115.3(FANCD2):c.2564_2569del (p.Val855_Thr856del)

Genes: FANCD2 (FA complementation group D2; plus strand), LOC107303338 (3p25 FANCD2 Alu-mediated recombination region; plus strand). Cytogenetic location: 3p25.3.
Variant type: Deletion.
Coding change: c.2564_2569del on transcript NM_001018115.3 (MANE Select); coding-DNA positions 2564 to 2569, 6 bases deleted (TTACTG; older notation c.2564_2569delTTACTG).
Protein change: p.Val855_Thr856del.
Molecular consequence: inframe deletion.
Genome position (GRCh38, 1-based): chr3:10,072,940-10,072,945, TTACTG deleted; deleting any 6 consecutive bases within chr3:10,072,935-10,072,945 gives the same sequence; the c. name uses the placement nearest the transcript's 3' end. VCF-style (leftmost placement, unchanged base first): chr3-10072934-ATACTGT-A. GRCh37 (hg19) VCF-style: chr3-10114618-ATACTGT-A.
Other names: c.2564_2569del, p.Val855_Thr856del (NM_001319984.2, NM_001374254.1, NM_033084.6); c.2453_2458del, p.Val818_Thr819del (NM_001374253.1).
Identifiers: ClinVar variation 857151 (VCV000857151.9), dbSNP rs1693335762, ClinGen allele CA916081407.